The following is an entry in ClinVar:

NM_004341.5(CAD):c.5060A>G (p.His1687Arg)

Gene: CAD (carbamoyl-phosphate synthetase 2, aspartate transcarbamylase, and dihydroorotase; plus strand). Cytogenetic location: 2p23.3.
Variant type: single nucleotide variant.
Coding change: c.5060A>G on transcript NM_004341.5 (MANE Select); coding-DNA position 5060, A replaced by G.
Protein change: p.His1687Arg; replaces histidine 1687 with arginine.
Molecular consequence: missense variant.
Genome position (GRCh38, 1-based): chr2:27,238,630, A>G. VCF-style: chr2-27238630-A-G. GRCh37 (hg19) VCF-style: chr2-27461498-A-G.
Other names: c.4871A>G, p.His1624Arg (NM_001306079.2); c.5060A>G (NM_004341.4); short protein forms H1624R, H1687R.
Identifiers: ClinVar variation 1411932 (VCV001411932.9), dbSNP rs771233542, ClinGen allele CA1573729.

ClinVar aggregate classification (germline): Conflicting classifications of pathogenicity. Review status: criteria provided, conflicting classifications (1 of 4 stars). 4 submissions from 4 submitters: Likely pathogenic (1); Uncertain significance (2). 1 of the submissions does not count toward it. Last evaluated 2025-07-16.

Conditions:
Developmental and epileptic encephalopathy, 50 (DEE50). Also called: Epileptic encephalopathy, early infantile, 50. Identifiers: Orphanet 448010, MedGen C4225320, MONDO:0014647, OMIM 616457.
CAD-related disorder. Also called: CAD-related condition.
Infantile epileptic dyskinetic encephalopathy. Identifiers: Orphanet 364063, MedGen C4552072, MONDO:0018226.

Allele frequency attached by ClinVar (database versions not stated): gnomAD 0.00001; gnomAD exomes 0.00001 and 0.00003; TOPMed 0.00005; ExAC 0.00006.
gnomAD v4.1: 10 of 1,607,218 alleles (0.00062%); highest among the groups gnomAD compares: Admixed American, 0.0068%; no homozygotes.

Submissions (4):

Laboratorio de Genetica e Diagnostico Molecular, Hospital Israelita Albert Einstein
Classification: Uncertain significance for Developmental and epileptic encephalopathy, 50. Last evaluated: 2025-07-16. Review status: criteria provided, single submitter. Criteria: ACMG Guidelines, 2015. Collection method: clinical testing. Allele origin: germline. Affected: yes.
Comment: ACMG classification criteria: PS3 supporting, PM2 supporting, PM3 moderate, PP2 supporting, BP4 supporting

Women's Health and Genetics/Laboratory Corporation of America, LabCorp
Classification: Likely pathogenic for Infantile epileptic dyskinetic encephalopathy. Last evaluated: 2025-03-12. Review status: criteria provided, single submitter. Criteria: LabCorp Variant Classification Summary - May 2015. Collection method: clinical testing. Allele origin: germline.
Comment: Variant summary: CAD c.5060A>G (p.His1687Arg) results in a non-conservative amino acid change in the encoded protein sequence. Four of five in-silico tools predict a damaging effect of the variant on protein function. Several computational tools predict a significant impact on normal splicing: Three predict the variant weakens a 5' donor site. One predict the variant no significant impact on splicing. However, these predictions have yet to be confirmed by functional studies. The variant allele was found at a frequency of 2.9e-05 in 241290 control chromosomes. c.5060A>G has been reported in the literature in a compound heterozygous individual affected with Early Infantile Epileptic Encephalopathy, 50 (Del Cao-Ochoa_2023). These report(s) do not provide unequivocal conclusions about association of the variant with Early Infantile Epileptic Encephalopathy, 50. At least one publication reports experimental evidence evaluating an impact on protein function (Del Cao-Ochoa_2023, Del Cao-Ochoa_2024). The most pronounced variant effect results in only residual enzymatic activity. The following publications have been ascertained in the context of this evaluation (PMID: 39447673, 37540500). ClinVar contains an entry for this variant (Variation ID: 1411932). Based on the evidence outlined above, the variant was classified as likely pathogenic.

Labcorp Genetics (formerly Invitae), Labcorp
Classification: Uncertain significance. Last evaluated: 2021-08-28. Review status: criteria provided, single submitter. Criteria: Invitae Variant Classification Sherloc (09022015). Collection method: clinical testing. Allele origin: germline.
Comment: This sequence change replaces histidine with arginine at codon 1687 of the CAD protein (p.His1687Arg). The histidine residue is highly conserved and there is a small physicochemical difference between histidine and arginine. This variant is present in population databases (rs771233542, ExAC 0.03%). This variant has not been reported in the literature in individuals affected with CAD-related conditions. Algorithms developed to predict the effect of missense changes on protein structure and function are either unavailable or do not agree on the potential impact of this missense change (SIFT: "Tolerated"; PolyPhen-2: "Probably Damaging"; Align-GVGD: "Class C0"). In summary, the available evidence is currently insufficient to determine the role of this variant in disease. Therefore, it has been classified as a Variant of Uncertain Significance.

PreventionGenetics, part of Exact Sciences
Classification: Uncertain significance for CAD-related condition. Last evaluated: 2024-01-27. Review status: no assertion criteria provided. Collection method: clinical testing. Allele origin: germline. Not counted in ClinVar's aggregate classification.
Comment: The CAD c.5060A>G variant is predicted to result in the amino acid substitution p.His1687Arg. In addition, this variant may cause a change in the strength and location of the exon 31 splice donor based on in silico prediction (SpliceAI, Jaganathan K, et al. 2019. PubMed ID: 30661751). To our knowledge, this variant has not been reported in the literature. This variant is reported in 0.0088% of alleles in individuals of Latino descent in gnomAD. At this time, the clinical significance of this variant is uncertain due to the absence of conclusive functional and genetic evidence.

Literature cited by the submitters: PubMed 37540500 (cited by Women's Health and Genetics/Laboratory Corporation of America, LabCorp); PubMed 39447673 (cited by Women's Health and Genetics/Laboratory Corporation of America, LabCorp).